The following is an entry in ClinVar:

NM_000426.4(LAMA2):c.5670G>T (p.Val1890=)

Gene: LAMA2 (laminin subunit alpha 2; plus strand). Cytogenetic location: 6q22.33.
Variant type: single nucleotide variant.
Coding change: c.5670G>T on transcript NM_000426.4 (MANE Select); coding-DNA position 5670, G replaced by T.
Protein change: p.Val1890=; no amino-acid change (valine 1890 retained).
Molecular consequence: synonymous variant.
Genome position (GRCh38, 1-based): chr6:129,402,431, G>T. VCF-style: chr6-129402431-G-T. GRCh37 (hg19) VCF-style: chr6-129723576-G-T.
Other names: c.5670G>T, p.Val1890= (NM_001079823.2).
Identifiers: ClinVar variation 211354 (VCV000211354.14), dbSNP rs374587087, ClinGen allele CA207394.

ClinVar aggregate classification (germline): Conflicting classifications of pathogenicity. Review status: criteria provided, conflicting classifications (1 of 4 stars). 4 submissions from 4 submitters: Uncertain significance (2); Likely benign (2). Last evaluated 2026-01-17.

Conditions:
LAMA2-related muscular dystrophy (LAMA2-RD). Also called: Laminin alpha 2-related dystrophy. Identifiers: MedGen C5679788, MONDO:0100228.

Allele frequency attached by ClinVar (database versions not stated): ExAC 0.00004; gnomAD exomes 0.00006 and 0.00008; ESP Exome Variant Server 0.00008; TOPMed 0.00008; gnomAD 0.00009.
gnomAD v4.1: 104 of 1,614,000 alleles (0.0064%); highest among the groups gnomAD compares: South Asian, 0.018%; no homozygotes.

Submissions (4):

Labcorp Genetics (formerly Invitae), Labcorp
Classification: Likely benign for LAMA2-related muscular dystrophy. Last evaluated: 2026-01-17. Review status: criteria provided, single submitter. Criteria: Invitae Variant Classification Sherloc (09022015). Collection method: clinical testing. Allele origin: germline.

Blueprint Genetics
Classification: Likely benign. Last evaluated: 2022-02-16. Review status: criteria provided, single submitter. Criteria: ACMG Guidelines, 2015. Collection method: clinical testing. Allele origin: germline.

Laboratorio de Genetica e Diagnostico Molecular, Hospital Israelita Albert Einstein
Classification: Uncertain significance. Last evaluated: 2021-01-07. Review status: criteria provided, single submitter. Criteria: ACMG Guidelines, 2015. Collection method: clinical testing. Allele origin: germline. Affected: yes.
Comment: ACMG classification criteria: PM2

Genetic Services Laboratory, University of Chicago
Classification: Uncertain significance. Last evaluated: 2015-07-14. Review status: criteria provided, single submitter. Criteria: ACMG Guidelines, 2015. Collection method: clinical testing. Allele origin: germline.